The following is an entry in ClinVar:

ClinVar aggregate classification (germline): Uncertain significance (1 of 4 stars; one submission).

Conditions:
Hermansky-Pudlak syndrome 2 (HPS2). Also called: Platelet defects and oculocutaneous albinism. Identifiers: Orphanet 183678, Orphanet 79430, MedGen C1842362, MONDO:0011997, OMIM 608233.

Submission:

Labcorp Genetics (formerly Invitae), Labcorp
Classification: Uncertain significance for Hermansky-Pudlak syndrome 2. Last evaluated: 2020-12-15. Review status: criteria provided, single submitter. Criteria: Invitae Variant Classification Sherloc (09022015). Collection method: clinical testing. Allele origin: germline.
Comment: This variant has not been reported in the literature in individuals with AP3B1-related conditions. In summary, the available evidence is currently insufficient to determine the role of this variant in disease. Therefore, it has been classified as a Variant of Uncertain Significance. Algorithms developed to predict the effect of missense changes on protein structure and function are either unavailable or do not agree on the potential impact of this missense change (SIFT: "Deleterious"; PolyPhen-2: "Possibly Damaging"; Align-GVGD: "Class C15"). This variant is not present in population databases (ExAC no frequency). This sequence change replaces valine with alanine at codon 517 of the AP3B1 protein (p.Val517Ala). The valine residue is highly conserved and there is a small physicochemical difference between valine and alanine.

NM_003664.5(AP3B1):c.1550T>C (p.Val517Ala)

Gene: AP3B1 (adaptor related protein complex 3 subunit beta 1; minus strand). Cytogenetic location: 5q14.1.
Variant type: single nucleotide variant.
Coding change: c.1550T>C on transcript NM_003664.5 (MANE Select); coding-DNA position 1550, T replaced by C.
Protein change: p.Val517Ala; replaces valine 517 with alanine.
Molecular consequence: missense variant.
Genome position (GRCh38, 1-based): chr5:78,141,243, A>G on the plus strand (T>C on the coding strand, the complement: AP3B1 is on the minus strand). VCF-style: chr5-78141243-A-G. GRCh37 (hg19) VCF-style: chr5-77437067-A-G.
Other names: c.1403T>C, p.Val468Ala (NM_001271769.2); short protein forms V517A, V468A.
Identifiers: ClinVar variation 1410998 (VCV001410998.8), dbSNP rs2112326945, ClinGen allele CA360188934.